The following is an entry in ClinVar:

ClinVar aggregate classification (germline): Conflicting classifications of pathogenicity. Review status: criteria provided, conflicting classifications (1 of 4 stars). 13 submissions from 12 submitters: Likely pathogenic (4); Uncertain significance (7). 2 of the submissions do not count toward it. Last evaluated 2026-02-06.

Conditions:
Muscular dystrophy, limb-girdle, autosomal dominant 4. Also called: MUSCULAR DYSTROPHY, LIMB-GIRDLE, TYPE 1I; Calpain-3-related limb-girdle muscular dystrophy D4. Identifiers: Orphanet 565909, MedGen C4748295, MONDO:0029133, OMIM 618129.
CAPN3-related disorder. Also called: CAPN3-related condition; CAPN3-related disorders. Identifiers: MedGen CN239245.
Inborn genetic diseases. Identifiers: MedGen C0950123, MeSH D030342.
Autosomal recessive limb-girdle muscular dystrophy type 2A (LGMDR1). Also called: Calpainopathy; LEYDEN-MOEBIUS MUSCULAR DYSTROPHY; MUSCULAR DYSTROPHY, PELVOFEMORAL; Muscular dystrophy, limb-girdle, type 2A, Amish; Limb-girdle muscular dystrophy, type 2A. Identifiers: Orphanet 267, MedGen C1869123, MONDO:0009675, OMIM 253600. Disease mechanism: loss of function.

Allele frequency attached by ClinVar (database versions not stated): ExAC 0.00007; gnomAD exomes 0.00009; gnomAD 0.00013 and 0.00015; TOPMed 0.00013.
gnomAD v4.1: 423 of 1,613,914 alleles (0.026%); highest among the groups gnomAD compares: Non-Finnish European, 0.033%; 1 homozygote.

Submissions (13):

Ambry Genetics
Classification: Likely pathogenic for Inborn genetic diseases. Last evaluated: 2026-02-06. Review status: criteria provided, single submitter. Criteria: Ambry Variant Classification Scheme 2023. Collection method: clinical testing. Allele origin: germline.
Comment: The c.338T>C (p.I113T) alteration is located in exon 2 (coding exon 2) of the CAPN3 gene. This alteration results from a T to C substitution at nucleotide position 338, causing the isoleucine (I) at amino acid position 113 to be replaced by a threonine (T). for autosomal recessive CAPN3-related limb-girdle muscular dystrophy; however, it is unlikely to be causative of autosomal dominant CAPN3-related limb-girdle muscular dystrophy Based on data from gnomAD, the C allele has an overall frequency of 0.011% (30/282828) total alleles studied. The highest observed frequency was 0.022% (28/129148) of European (non-Finnish) alleles. This variant has been identified in conjunction with other CAPN3 variant(s) in individual(s) with features consistent with autosomal recessive CAPN3-related limb-girdle muscular dystrophy (Rosales, 2013; Nilsson, 2014; external communication). This amino acid position is not well conserved in available vertebrate species. The in silico prediction for this alteration is inconclusive. Based on the available evidence, this alteration is classified as likely pathogenic.

GeneDx
Classification: Likely pathogenic. Last evaluated: 2025-12-22. Review status: criteria provided, single submitter. Criteria: GeneDx Variant Classification Process June 2021. Collection method: clinical testing. Allele origin: germline. Affected: yes.
Comment: Identified in the presence of a second CAPN3 variant, in a patient with early onset pelvifemoral LGMD2A, however CAPN3 enzyme deficiency was not detected (PMID: 25079074); Identified heterozygous by NGS panel testing in three patients with LGMD2A, however no second variant was identified (PMID: 30564623); Not observed at significant frequency in large population cohorts (gnomAD); In silico analysis supports that this missense variant has a deleterious effect on protein structure/function; This variant is associated with the following publications: (PMID: 25079074, 30564623, 23553538)

Revvity Omics, Revvity
Classification: Uncertain significance. Last evaluated: 2025-04-24. Review status: criteria provided, single submitter. Criteria: ACMG Guidelines, 2015. Collection method: clinical testing. Allele origin: germline.

Labcorp Genetics (formerly Invitae), Labcorp
Classification: Uncertain significance for Autosomal recessive limb-girdle muscular dystrophy type 2A. Last evaluated: 2025-01-30. Review status: criteria provided, single submitter. Criteria: Invitae Variant Classification Sherloc (09022015). Collection method: clinical testing. Allele origin: germline.
Comment: This sequence change replaces isoleucine, which is neutral and non-polar, with threonine, which is neutral and polar, at codon 113 of the CAPN3 protein (p.Ile113Thr). This variant is present in population databases (rs747026964, gnomAD 0.02%). This missense change has been observed in individual(s) with limb-girdle muscular dystrophy (PMID: 23553538, 25079074, 30564623). ClinVar contains an entry for this variant (Variation ID: 283107). Invitae Evidence Modeling of protein sequence and biophysical properties (such as structural, functional, and spatial information, amino acid conservation, physicochemical variation, residue mobility, and thermodynamic stability) indicates that this missense variant is not expected to disrupt CAPN3 protein function with a negative predictive value of 80%. In summary, the available evidence is currently insufficient to determine the role of this variant in disease. Therefore, it has been classified as a Variant of Uncertain Significance.

Blueprint Genetics
Classification: Uncertain significance. Last evaluated: 2024-11-21. Review status: criteria provided, single submitter. Criteria: ACMG Guidelines, 2015. Collection method: clinical testing. Allele origin: germline.

Athena Diagnostics
Classification: Uncertain significance. Last evaluated: 2024-07-17. Review status: criteria provided, single submitter. Criteria: Athena Diagnostics Criteria. Collection method: clinical testing. Allele origin: unknown.
Comment: Available data are insufficient to determine the clinical significance of the variant at this time. The frequency of this variant in the general population is uninformative in assessment of its pathogenicity. This variant has been identified in at least one individual with clinical features associated with this gene. Polyphen and MutationTaster yielded discordant predictions regarding whether this amino acid change is damaging to the protein.

Baylor Genetics
Classification: Likely pathogenic for Muscular dystrophy, limb-girdle, autosomal dominant 4. Last evaluated: 2024-03-28. Review status: criteria provided, single submitter. Criteria: ACMG Guidelines, 2015. Collection method: clinical testing. Allele origin: unknown.

Mayo Clinic Laboratories, Mayo Clinic
Classification: Uncertain significance. Last evaluated: 2023-06-22. Review status: criteria provided, single submitter. Criteria: ACMG Guidelines, 2015. Collection method: clinical testing. Allele origin: germline. Observed: 1 variant allele.
Comment: PM3

Women's Health and Genetics/Laboratory Corporation of America, LabCorp
Classification: Uncertain significance. Last evaluated: 2022-08-23. Review status: criteria provided, single submitter. Criteria: LabCorp Variant Classification Summary - May 2015. Collection method: clinical testing. Allele origin: germline.
Comment: Variant summary: CAPN3 c.338T>C (p.Ile113Thr) results in a non-conservative amino acid change located in the Peptidase C2, calpain, catalytic domain (IPR001300) of the encoded protein sequence. Three of five in-silico tools predict a damaging effect of the variant on protein function. The variant allele was found at a frequency of 9.1e-05 in 251430 control chromosomes. This frequency is not significantly higher than estimated for a pathogenic variant in CAPN3 causing Limb-Girdle Muscular Dystrophy, Autosomal Recessive (9.1e-05 vs 0.0032), allowing no conclusion about variant significance. c.338T>C has been reported in the literature as a compound heterozygous genotype in at-least one individual affected with Limb-Girdle Muscular Dystrophy, Autosomal Recessive (example, Nilsson_2014) and as a VUS with a non-informative genotype (second allele not specified) in at-least three individuals within a cohort sequenced for Limb-girdle muscular dystrophies (LGMDs) at a reference laboratory (example, Nallamilli_2018). These data do not allow any conclusion about variant significance. To our knowledge, no experimental evidence demonstrating an impact on protein function has been reported. Five clinical diagnostic laboratories have submitted clinical-significance assessments for this variant to ClinVar after 2014 without evidence for independent evaluation (Likely pathogenic, n=1; VUS, n=4). Based on the evidence outlined above, the variant was classified as uncertain significance.

Eurofins Ntd Llc (ga)
Classification: Uncertain significance. Last evaluated: 2018-07-03. Review status: criteria provided, single submitter. Criteria: EGL ClinVar v180209 classification definitions. Collection method: clinical testing. Allele origin: germline. Observed: 6 variant alleles, 6 heterozygotes.

Baylor Genetics
Classification: Likely pathogenic for Autosomal recessive limb-girdle muscular dystrophy type 2A. Review status: criteria provided, single submitter. Criteria: ACMG Guidelines, 2015. Collection method: clinical testing. Allele origin: unknown.

PreventionGenetics, part of Exact Sciences
Classification: Uncertain significance for CAPN3-related condition. Last evaluated: 2024-05-29. Review status: no assertion criteria provided. Collection method: clinical testing. Allele origin: germline. Not counted in ClinVar's aggregate classification.
Comment: The CAPN3 c.338T>C variant is predicted to result in the amino acid substitution p.Ile113Thr. This variant has been reported in multiple individuals with limb-girdle muscular dystrophy; however, it is not clear if a second CAPN3 variant was identified in some of these patients (Table S7, Nallamilli et al. 2018. PubMed ID: 30564623; Table 1, Nilsson et al. 2014. PubMed ID: 25079074). This variant is reported in 0.022% of alleles in individuals of European (non-Finnish) descent in gnomAD. Although we suspect that this variant may be pathogenic, at this time, the clinical significance of this variant is uncertain due to the absence of conclusive functional and genetic evidence.

Counsyl
Classification: Uncertain significance for Autosomal recessive limb-girdle muscular dystrophy type 2A. Last evaluated: 2017-09-15. Review status: no assertion criteria provided. Collection method: clinical testing. Allele origin: unknown. Not counted in ClinVar's aggregate classification.

Literature cited by the submitters: PubMed 23553538 (cited by 3 submitters); PubMed 25079074 (cited by 6 submitters); PubMed 30564623 (cited by 4 submitters).

NM_000070.3(CAPN3):c.338T>C (p.Ile113Thr)

Gene: CAPN3 (calpain 3; plus strand). Cytogenetic location: 15q15.1.
Variant type: single nucleotide variant.
Coding change: c.338T>C on transcript NM_000070.3 (MANE Select); coding-DNA position 338, T replaced by C.
Protein change: p.Ile113Thr; replaces isoleucine 113 with threonine.
Molecular consequence: missense variant.
Genome position (GRCh38, 1-based): chr15:42,384,511, T>C. VCF-style: chr15-42384511-T-C. GRCh37 (hg19) VCF-style: chr15-42676709-T-C.
Other names: p.Ile113Thr; c.338T>C, p.Ile113Thr (NM_024344.2, NM_173087.2); short protein forms I113T.
Identifiers: ClinVar variation 283107 (VCV000283107.29), dbSNP rs747026964, ClinGen allele CA7510921.